The following is an entry in ClinVar:

NM_033337.3(CAV3):c.271C>G (p.Leu91Val)

Genes: CAV3 (caveolin 3; plus strand), OXTR (oxytocin receptor; minus strand). Cytogenetic location: 3p25.3.
Variant type: single nucleotide variant.
Coding change: c.271C>G on transcript NM_033337.3 (MANE Select); coding-DNA position 271, C replaced by G.
Protein change: p.Leu91Val; replaces leucine 91 with valine.
Molecular consequence: missense variant.
Genome position (GRCh38, 1-based): chr3:8,745,682, C>G. VCF-style: chr3-8745682-C-G. GRCh37 (hg19) VCF-style: chr3-8787368-C-G.
Other names: c.271C>G, p.Leu91Val (NM_001234.5); short protein forms L91V.
Identifiers: ClinVar variation 3707141 (VCV003707141.2).

ClinVar aggregate classification (germline): Uncertain significance (1 of 4 stars; one submission).

Conditions:
Long QT syndrome (LQTS). Identifiers: MedGen C0023976, MeSH D008133, MONDO:0002442. Disease mechanism: loss of function. Inheritance: Various modes of inheritance.

Submission:

Labcorp Genetics (formerly Invitae), Labcorp
Classification: Uncertain significance for Long QT syndrome. Last evaluated: 2025-01-06. Review status: criteria provided, single submitter. Criteria: Invitae Variant Classification Sherloc (09022015). Collection method: clinical testing. Allele origin: germline.
Comment: This sequence change replaces leucine, which is neutral and non-polar, with valine, which is neutral and non-polar, at codon 91 of the CAV3 protein (p.Leu91Val). This variant is not present in population databases (gnomAD no frequency). This variant has not been reported in the literature in individuals affected with CAV3-related conditions. An algorithm developed to predict the effect of missense changes on protein structure and function (PolyPhen-2) suggests that this variant is likely to be tolerated. In summary, the available evidence is currently insufficient to determine the role of this variant in disease. Therefore, it has been classified as a Variant of Uncertain Significance.